The following is an entry in ClinVar:

NM_022168.4(IFIH1):c.760G>A (p.Val254Ile)

Gene: IFIH1 (interferon induced with helicase C domain 1; minus strand). Cytogenetic location: 2q24.2.
Variant type: single nucleotide variant.
Coding change: c.760G>A on transcript NM_022168.4 (MANE Select); coding-DNA position 760, G replaced by A.
Protein change: p.Val254Ile; replaces valine 254 with isoleucine.
Molecular consequence: missense variant.
Genome position (GRCh38, 1-based): chr2:162,306,718, C>T on the plus strand (G>A on the coding strand, the complement: IFIH1 is on the minus strand). VCF-style: chr2-162306718-C-T. GRCh37 (hg19) VCF-style: chr2-163163228-C-T.
Other names: c.760G>A, p.Val254Ile (LRG_1235t1); short protein forms V254I.
Identifiers: ClinVar variation 541777 (VCV000541777.12), dbSNP rs1256109895, ClinGen allele CA349008135.

ClinVar aggregate classification (germline): Uncertain significance. Review status: criteria provided, multiple submitters, no conflicts (2 of 4 stars). 2 submissions from 2 submitters: Uncertain significance (2). Last evaluated 2025-12-02.

Conditions:
Singleton-Merten syndrome 1 (SGMRT1). Also called: Widened medullary cavities of bone, aortic calcification, abnormal dentition, and muscular weakness; Syndrome of widened medullary cavities of the metacarpals and phalanges, aortic calcification and abnormal dentition. Identifiers: Orphanet 85191, MedGen C4225427, MONDO:0024535, OMIM 182250.
Aicardi-Goutieres syndrome 7 (AGS7). Identifiers: Orphanet 51, MedGen C3888244, MONDO:0014367, OMIM 615846.

Allele frequency attached by ClinVar (database versions not stated): gnomAD exomes 0.00003 and below 0.00001; gnomAD 0.00001; TOPMed 0.00001.
gnomAD v4.1: 45 of 1,613,598 alleles (0.0028%); highest among the groups gnomAD compares: Non-Finnish European, 0.0036%; no homozygotes.

Submissions (2):

Labcorp Genetics (formerly Invitae), Labcorp
Classification: Uncertain significance for Aicardi-Goutieres syndrome 7; Singleton-Merten syndrome 1. Last evaluated: 2025-12-02. Review status: criteria provided, single submitter. Criteria: Invitae Variant Classification Sherloc (09022015). Collection method: clinical testing. Allele origin: germline.
Comment: This sequence change replaces valine, which is neutral and non-polar, with isoleucine, which is neutral and non-polar, at codon 254 of the IFIH1 protein (p.Val254Ile). This variant is present in population databases (no rsID available, gnomAD 0.0009%). This variant has not been reported in the literature in individuals affected with IFIH1-related conditions. ClinVar contains an entry for this variant (Variation ID: 541777). An algorithm developed to predict the effect of missense changes on protein structure and function outputs the following: PolyPhen-2: "Benign". The isoleucine amino acid residue is found in multiple mammalian species, which suggests that this missense change does not adversely affect protein function. In summary, the available evidence is currently insufficient to determine the role of this variant in disease. Therefore, it has been classified as a Variant of Uncertain Significance.

Revvity Omics, Revvity
Classification: Uncertain significance. Last evaluated: 2021-03-12. Review status: criteria provided, single submitter. Criteria: ACMG Guidelines, 2015. Collection method: clinical testing. Allele origin: germline.